The following is an entry in ClinVar:

ClinVar aggregate classification (germline): Benign/Likely benign. Review status: criteria provided, multiple submitters, no conflicts (2 of 4 stars). 5 submissions from 5 submitters: Benign (1); Likely benign (4). Last evaluated 2026-01-28.

Conditions:
Cardiovascular phenotype. Identifiers: MedGen CN230736.
Alstrom syndrome (ALMS). Identifiers: Orphanet 64, MedGen C0268425, MONDO:0008763, OMIM 203800.

Allele frequency attached by ClinVar (database versions not stated): gnomAD below 0.00001 and 0.00015; TOPMed 0.00002; gnomAD exomes 0.00028 and 0.00052; ExAC 0.00056; 1000 Genomes Project 30x 0.00187; 1000 Genomes Project 0.00200.

Submissions (5):

Labcorp Genetics (formerly Invitae), Labcorp
Classification: Likely benign for Alstrom syndrome. Last evaluated: 2026-01-28. Review status: criteria provided, single submitter. Criteria: Invitae Variant Classification Sherloc (09022015). Collection method: clinical testing. Allele origin: germline.

CeGaT Center for Human Genetics Tuebingen
Classification: Likely benign. Last evaluated: 2025-07-01. Review status: criteria provided, single submitter. Criteria: CeGaT Center For Human Genetics Tuebingen Variant Classification Criteria Version 2. Collection method: clinical testing. Allele origin: germline. Affected: yes. Observed: 1 variant allele.
Comment: ALMS1: BP4

Blueprint Genetics
Classification: Likely benign. Last evaluated: 2024-11-18. Review status: criteria provided, single submitter. Criteria: ACMG Guidelines, 2015. Collection method: clinical testing. Allele origin: germline.

Ambry Genetics
Classification: Benign for Cardiovascular phenotype. Last evaluated: 2021-07-07. Review status: criteria provided, single submitter. Criteria: Ambry Variant Classification Scheme 2023. Collection method: clinical testing. Allele origin: germline.

GeneDx
Classification: Likely benign. Last evaluated: 2020-11-30. Review status: criteria provided, single submitter. Criteria: GeneDx Variant Classification Process June 2021. Collection method: clinical testing. Allele origin: germline. Affected: yes.

NM_001378454.1(ALMS1):c.8980G>A (p.Val2994Ile)

Gene: ALMS1 (ALMS1 centrosome and basal body associated protein; plus strand). Cytogenetic location: 2p13.1.
Variant type: single nucleotide variant.
Coding change: c.8980G>A on transcript NM_001378454.1 (MANE Select); coding-DNA position 8980, G replaced by A.
Protein change: p.Val2994Ile; replaces valine 2994 with isoleucine.
Molecular consequence: missense variant.
Genome position (GRCh38, 1-based): chr2:73,490,939, G>A. VCF-style: chr2-73490939-G-A. GRCh37 (hg19) VCF-style: chr2-73718066-G-A.
Other names: c.8983G>A, p.Val2995Ile (NM_015120.4); short protein forms V2995I, V2994I.
Identifiers: ClinVar variation 514310 (VCV000514310.25), dbSNP rs45566838, ClinGen allele CA1714576.